The following is an entry in ClinVar:

NC_000001.10:g.(?_236906176)_(236925919_?)del

Gene: ACTN2 (actinin alpha 2; plus strand). Cytogenetic location: 1q43.
Variant type: Deletion.
Identifiers: ClinVar variation 2423717 (VCV002423717.5).

ClinVar aggregate classification (germline): Uncertain significance (1 of 4 stars; one submission).

Conditions:
Primary familial hypertrophic cardiomyopathy (HCM). Identifiers: Orphanet 99739, MedGen C0949658, MeSH D024741, MONDO:0024573. Inheritance: Various modes of inheritance.
Dilated cardiomyopathy 1AA (CMD1AA). Also called: CARDIOMYOPATHY, DILATED, 1AA, WITH OR WITHOUT LEFT VENTRICULAR NONCOMPACTION; CARDIOMYOPATHY, FAMILIAL HYPERTROPHIC, 23, WITH OR WITHOUT LEFT VENTRICULAR NONCOMPACTION; Cardiomyopathy, dilated, 1AA, with or without LVNC. Identifiers: Orphanet 154, MedGen C2677338, MONDO:0012808, OMIM 612158.

Submission:

Labcorp Genetics (formerly Invitae), Labcorp
Classification: Uncertain significance for Primary familial hypertrophic cardiomyopathy; Dilated cardiomyopathy 1AA. Last evaluated: 2022-05-31. Review status: criteria provided, single submitter. Criteria: Invitae Variant Classification Sherloc (09022015). Collection method: clinical testing. Allele origin: germline.
Comment: In summary, the available evidence is currently insufficient to determine the role of this variant in disease. Therefore, it has been classified as a Variant of Uncertain Significance. This variant has not been reported in the literature in individuals affected with ACTN2-related conditions. This variant is a gross deletion of the genomic region encompassing exon(s) 11-21 of the ACTN2 gene, which includes the termination codon. This deletion extends beyond the assayed region for this gene and therefore may encompass additional genes. While this deletion is not anticipated to lead to nonsense mediated decay, it is expected to alter mRNA translation or result in a truncated protein product.